The following is an entry in ClinVar:

NM_000059.4(BRCA2):c.5110del (p.Arg1704fs)

Gene: BRCA2 (BRCA2 DNA repair associated; plus strand). Cytogenetic location: 13q13.1.
Variant type: Deletion.
Coding change: c.5110del on transcript NM_000059.4 (MANE Select); coding-DNA position 5110, one base deleted (A; older notation c.5110delA).
Protein change: p.Arg1704fs; shifts the reading frame from arginine 1704.
Molecular consequence: frameshift variant.
Genome position (GRCh38, 1-based): chr13:32,339,465, A deleted; the last of 3 consecutive A bases (chr13:32,339,463-32,339,465); deleting any one gives the same sequence. VCF-style (leftmost placement, unchanged base first): chr13-32339462-GA-G. GRCh37 (hg19) VCF-style: chr13-32913599-GA-G.
Other names: 5338delA; short protein forms R1704fs.
Identifiers: ClinVar variation 266847 (VCV000266847.5), dbSNP rs886040564, ClinGen allele CA10589285.

ClinVar aggregate classification (germline): Pathogenic. Review status: reviewed by expert panel (3 of 4 stars). 2 submissions from 2 submitters: Pathogenic (1). 1 of the submissions does not count toward it. Last evaluated 2016-10-18.

Conditions:
Breast-ovarian cancer, familial, susceptibility to, 2 (BROVCA2). Also called: BRCA2 Hereditary Breast and Ovarian Cancer. Identifiers: Orphanet 145, MedGen C2675520, MONDO:0012933, OMIM 612555. Disease mechanism: loss of function.

Submissions (2):

Evidence-based Network for the Interpretation of Germline Mutant Alleles (ENIGMA)
Classification: Pathogenic for Breast-ovarian cancer, familial, susceptibility to, 2. Last evaluated: 2016-10-18. Review status: reviewed by expert panel. Criteria: ENIGMA BRCA1/2 Classification Criteria (2015). Collection method: curation. Allele origin: germline.
Comment: Variant allele predicted to encode a truncated non-functional protein.

Consortium of Investigators of Modifiers of BRCA1/2 (CIMBA), c/o University of Cambridge
Classification: Pathogenic for Breast-ovarian cancer, familial, susceptibility to, 2. Last evaluated: 2015-10-02. Review status: criteria provided, single submitter. Criteria: CIMBA Mutation Classification guidelines May 2016. Collection method: clinical testing. Allele origin: germline. Not counted in ClinVar's aggregate classification.